The following is an entry in ClinVar:

NM_001034853.2(RPGR):c.82G>A (p.Gly28Ser)

Gene: RPGR (retinitis pigmentosa GTPase regulator; minus strand). Cytogenetic location: Xp11.4.
Variant type: single nucleotide variant.
Coding change: c.82G>A on transcript NM_001034853.2 (MANE Select); coding-DNA position 82, G replaced by A.
Protein change: p.Gly28Ser; replaces glycine 28 with serine.
Molecular consequence: missense variant. On other transcripts: non-coding transcript variant (6).
Genome position (GRCh38, 1-based): chrX:38,323,471, C>T on the plus strand (G>A on the coding strand, the complement: RPGR is on the minus strand). VCF-style: chrX-38323471-C-T. GRCh37 (hg19) VCF-style: chrX-38182724-C-T.
Other names: c.82G>A, p.Gly28Ser (NM_000328.3, NM_001367245.1, NM_001367246.1 and 4 more transcripts); c.112G>A, p.Gly38Ser (NM_001367248.1); short protein forms G38S, G28S.
Identifiers: ClinVar variation 846456 (VCV000846456.9), dbSNP rs779957555, ClinGen allele CA10385733.
Genomic context (GRCh38, chrX:38,323,471, plus strand): 5'-CAGAATGTTCATCTCCACATGAAAGATGTACAGGGACATCATTTTTAAACCAGAATTTAC[C>T]GGGATTATTTTCAGCAAATTTACTTTTCCCAAATGTAAACACAGCACCCGAATCTGCAAA-3'
Protein context (NP_001030025.1, residues 18-38): GKSKFAENNP[Gly28Ser]KFWFKNDVPV

ClinVar aggregate classification (germline): Uncertain significance (1 of 4 stars; one submission).

Conditions:
Primary ciliary dyskinesia. Also called: Ciliary dyskinesia. Identifiers: Orphanet 244, MedGen C0008780, MONDO:0016575, HP:0012265.

Allele frequency attached by ClinVar (database versions not stated): gnomAD exomes below 0.00001 and 0.00001; gnomAD 0.00001; ExAC 0.00003.
gnomAD v4.1: 2 of 1,206,325 alleles (0.00017%); highest among the groups gnomAD compares: Non-Finnish European, 0.00022%; no homozygotes.

Submission:

Labcorp Genetics (formerly Invitae), Labcorp
Classification: Uncertain significance for Primary ciliary dyskinesia. Last evaluated: 2022-08-09. Review status: criteria provided, single submitter. Criteria: Invitae Variant Classification Sherloc (09022015). Collection method: clinical testing. Allele origin: germline.
Comment: The frequency data for this variant in the population databases is considered unreliable, as metrics indicate poor data quality at this position in the gnomAD database. This sequence change replaces glycine, which is neutral and non-polar, with serine, which is neutral and polar, at codon 28 of the RPGR protein (p.Gly28Ser). This variant has not been reported in the literature in individuals affected with RPGR-related conditions. ClinVar contains an entry for this variant (Variation ID: 846456). Algorithms developed to predict the effect of missense changes on protein structure and function output the following: SIFT: "Tolerated"; PolyPhen-2: "Benign"; Align-GVGD: "Class C0". The serine amino acid residue is found in multiple mammalian species, which suggests that this missense change does not adversely affect protein function. In summary, the available evidence is currently insufficient to determine the role of this variant in disease. Therefore, it has been classified as a Variant of Uncertain Significance.